The following is an entry in ClinVar:

ClinVar aggregate classification (germline): Conflicting classifications of pathogenicity. Review status: criteria provided, conflicting classifications (1 of 4 stars). 2 submissions from 2 submitters: Uncertain significance (1); Likely benign (1). Last evaluated 2023-12-26.

Allele frequency attached by ClinVar (database versions not stated): 1000 Genomes Project 30x 0.00078; 1000 Genomes Project 0.00080; ESP Exome Variant Server 0.00100; gnomAD 0.00113; gnomAD exomes 0.00119; TOPMed 0.00129; ExAC 0.00130.
gnomAD v4.1: 1,926 of 1,614,012 alleles (0.12%); highest among the groups gnomAD compares: Middle Eastern, 0.94%; 9 homozygotes.

Submissions (7):

Ambry Genetics
Classification: Uncertain significance. Last evaluated: 2023-12-26. Review status: criteria provided, single submitter. Criteria: Ambry Variant Classification Scheme 2023. Collection method: clinical testing. Allele origin: germline.

CeGaT Center for Human Genetics Tuebingen
Classification: Likely benign. Last evaluated: 2023-09-01. Review status: criteria provided, single submitter. Criteria: CeGaT Center For Human Genetics Tuebingen Variant Classification Criteria Version 2. Collection method: clinical testing. Allele origin: germline. Affected: yes. Observed: 2 variant alleles.
Comment: BRD10: BP4

Dr. Peter K. Rogan Lab, Western University
No classification provided (evidence only). Condition: Malignant tumor of urinary bladder. Review status: no classification provided. Collection method: in vitro. Allele origin: not applicable. Functional consequence: retained intron. Not counted in ClinVar's aggregate classification.

Dr. Peter K. Rogan Lab, Western University
No classification provided (evidence only). Condition: Melanoma. Review status: no classification provided. Collection method: in vitro. Allele origin: not applicable. Functional consequence: retained intron. Not counted in ClinVar's aggregate classification.

Dr. Peter K. Rogan Lab, Western University
No classification provided (evidence only). Condition: Cervical cancer. Review status: no classification provided. Collection method: in vitro. Allele origin: not applicable. Functional consequence: retained intron. Not counted in ClinVar's aggregate classification.

Dr. Peter K. Rogan Lab, Western University
No classification provided (evidence only). Condition: Hepatocellular carcinoma. Review status: no classification provided. Collection method: in vitro. Allele origin: not applicable. Functional consequence: retained intron. Not counted in ClinVar's aggregate classification.

Dr. Peter K. Rogan Lab, Western University
No classification provided (evidence only). Condition: Nonpapillary renal cell carcinoma. Review status: no classification provided. Collection method: in vitro. Allele origin: not applicable. Functional consequence: retained intron. Not counted in ClinVar's aggregate classification.

NM_001017969.3(BRD10):c.3925A>G (p.Ser1309Gly)

Gene: BRD10 (bromodomain containing 10; minus strand). Cytogenetic location: 9p24.1.
Variant type: single nucleotide variant.
Coding change: c.3925A>G on transcript NM_001017969.3 (MANE Select); coding-DNA position 3925, A replaced by G.
Protein change: p.Ser1309Gly; replaces serine 1309 with glycine.
Molecular consequence: missense variant.
Genome position (GRCh38, 1-based): chr9:5,922,071, T>C on the plus strand (A>G on the coding strand, the complement: BRD10 is on the minus strand). VCF-style: chr9-5922071-T-C. GRCh37 (hg19) VCF-style: chr9-5922071-T-C.
Other names: NC_000009.11:g.5922071T>C; short protein forms S1309G.
Identifiers: ClinVar variation 2370844 (VCV002370844.27), dbSNP rs151185112, ClinGen allele CA4977110.